The following is an entry in ClinVar:

ClinVar aggregate classification (germline): Uncertain significance (1 of 4 stars; one submission).

Conditions:
Familial sleep-related hypermotor epilepsy. Also called: Autosomal Dominant Sleep-Related Hypermotor (Hyperkinetic) Epilepsy. Identifiers: Orphanet 98784, MedGen C3696898, MONDO:0000030.

gnomAD v4.1: 1 of 1,613,944 alleles (0.000062%); highest among the groups gnomAD compares: Non-Finnish European, 0.000085%; no homozygotes.

Submission:

Labcorp Genetics (formerly Invitae), Labcorp
Classification: Uncertain significance. Last evaluated: 2025-12-05. Review status: criteria provided, single submitter. Criteria: Invitae Variant Classification Sherloc (09022015). Collection method: clinical testing. Allele origin: germline.
Comment: This sequence change replaces glycine, which is neutral and non-polar, with aspartic acid, which is acidic and polar, at codon 238 of the CHRNA2 protein (p.Gly238Asp). This variant is not present in population databases (gnomAD no frequency). This variant has not been reported in the literature in individuals affected with CHRNA2-related conditions. Invitae Evidence Modeling of protein sequence and biophysical properties (such as structural, functional, and spatial information, amino acid conservation, physicochemical variation, residue mobility, and thermodynamic stability) indicates that this missense variant is expected to disrupt CHRNA2 protein function with a positive predictive value of 80%. In summary, the available evidence is currently insufficient to determine the role of this variant in disease. Therefore, it has been classified as a Variant of Uncertain Significance.

NM_000742.4(CHRNA2):c.713G>A (p.Gly238Asp)

Gene: CHRNA2 (cholinergic receptor nicotinic alpha 2 subunit; minus strand). Cytogenetic location: 8p21.2.
Variant type: single nucleotide variant.
Coding change: c.713G>A on transcript NM_000742.4 (MANE Select); coding-DNA position 713, G replaced by A.
Protein change: p.Gly238Asp; replaces glycine 238 with aspartic acid.
Molecular consequence: missense variant.
Genome position (GRCh38, 1-based): chr8:27,463,730, C>T on the plus strand (G>A on the coding strand, the complement: CHRNA2 is on the minus strand). VCF-style: chr8-27463730-C-T. GRCh37 (hg19) VCF-style: chr8-27321247-C-T.
Other names: c.668G>A, p.Gly223Asp (NM_001282455.2); c.236G>A, p.Gly79Asp (NM_001347705.2, NM_001347706.2); c.119G>A, p.Gly40Asp (NM_001347707.2, NM_001347708.2); short protein forms G238D, G40D, G223D, G79D.
Identifiers: ClinVar variation 4778000 (VCV004778000.1).